The following is an entry in ClinVar:

ClinVar aggregate classification (germline): Pathogenic (1 of 4 stars; one submission).

Conditions:
21-Hydroxylase-Deficient Congenital Adrenal Hyperplasia. Also called: ADRENAL HYPERPLASIA III; ADRENAL HYPERPLASIA, CONGENITAL, DUE TO 21-HYDROXYLASE DEFICIENCY. Identifiers: MedGen C2936858, OMIM 201910.

Submission:

Centro Nacional de Genética Medica, Administración Nacional de Laboratorios e Institutos de Salud (ANLIS) “Dr. Carlos G Malbrán”
Classification: Pathogenic for 21-Hydroxylase-Deficient Congenital Adrenal Hyperplasia. Last evaluated: 2024-08-01. Review status: criteria provided, single submitter. Criteria: ACMG Guidelines, 2015. Collection method: clinical testing. Allele origin: germline. Affected: yes. Observed: 1 variant allele.
Comment: The c.1208_1209del, p.H403fs*5 found occurred in the exon 9 of the CYP21A2 gene leading to a frameshift with a premature stop codon 5 aminoacids ahead that may escape NMD and most probably generates a truncated protein. By analyzing the structure of the enzyme in PDB (Protein Data Bank), p.H403 is located in a loop preceding an alpha-helix that is in contact with the Heme group (Pallan, Pradeep S. et al.). Absence of this critical region of the protein may lead to a null or very low enzymatic residual activity allele.

NM_000500.9(CYP21A2):c.1208_1209del (p.His403fs)

Genes: CYP21A2 (cytochrome P450 family 21 subfamily A member 2; plus strand), LOC106780800 (CYP21A2 recombination region; plus strand). Cytogenetic location: 6p21.33.
Variant type: Deletion.
Coding change: c.1208_1209del on transcript NM_000500.9 (MANE Select); coding-DNA positions 1208 to 1209, 2 bases deleted (AT; older notation c.1208_1209delAT).
Protein change: p.His403fs; shifts the reading frame from histidine 403.
Molecular consequence: frameshift variant.
Genome position (GRCh38, 1-based): chr6:32,040,757-32,040,758, AT deleted. VCF-style (leftmost placement, unchanged base first): chr6-32040756-CAT-C. GRCh37 (hg19) VCF-style: chr6-32008533-CAT-C.
Other names: g.32008533CAT>C; p.H403fs*5; p.His403Argfs*5; c.1118_1119del, p.His373fs (NM_001128590.4); c.803_804del, p.His268fs (NM_001368143.2, NM_001368144.2); short protein forms H268fs, H373fs, H403fs.
Identifiers: ClinVar variation 3340484 (VCV003340484.1).
Genomic context (GRCh38, chr6:32,040,756, plus strand): 5'-ACAGTCATCATTCCGAACCTCCAAGGCGCCCACCTGGATGAGACGGTCTGGGAGAGGCCA[CAT>C]GAGTTCTGGCCTGGTATGTGGGGGGCCGGGGGCCTGCCGTGAAAATGTGGTGGAGGCTGG-3'